The following is an entry in ClinVar:

NM_000093.5(COL5A1):c.5336A>G (p.Asn1779Ser)

Genes: COL5A1 (collagen type V alpha 1 chain; plus strand), LOC101448202 (uncharacterized LOC101448202; minus strand). Cytogenetic location: 9q34.3.
Variant type: single nucleotide variant.
Coding change: c.5336A>G on transcript NM_000093.5 (MANE Select); coding-DNA position 5336, A replaced by G.
Protein change: p.Asn1779Ser; replaces asparagine 1779 with serine.
Molecular consequence: missense variant.
Genome position (GRCh38, 1-based): chr9:134,835,170, A>G. VCF-style: chr9-134835170-A-G. GRCh37 (hg19) VCF-style: chr9-137727016-A-G.
Other names: c.5336A>G, p.Asn1779Ser (NM_001278074.1); short protein forms N1779S.
Identifiers: ClinVar variation 4760054 (VCV004760054.1).
Genomic context (GRCh38, chr9:134,835,170, plus strand): 5'-GCTACGACAAGGCCCTCCGCTTCCTGGGCTCCAACGACGAGGAGATGTCCTATGACAACA[A>G]CCCCTACATCCGCGCCCTGGTGGACGGCTGTGCTGTGAGTATCCCGCGCCGCGCCCAGCA-3'
Protein context (NP_000084.3, residues 1769-1789): SNDEEMSYDN[Asn1779Ser]PYIRALVDGC

ClinVar aggregate classification (germline): Uncertain significance (1 of 4 stars; one submission).

Conditions:
Ehlers-Danlos syndrome, classic type, 1 (EDSCL1). Also called: EHLERS-DANLOS SYNDROME, GRAVIS TYPE; EHLERS-DANLOS SYNDROME, SEVERE CLASSIC TYPE; Ehlers-Danlos syndrome, type 1; Ehlers-Danlos Syndrome, Classic Type, COL5A1-Related; EDS I. Identifiers: MedGen C0268335, MONDO:0019567, OMIM 130000.

Submission:

Labcorp Genetics (formerly Invitae), Labcorp
Classification: Uncertain significance for Ehlers-Danlos syndrome, classic type, 1. Last evaluated: 2025-04-20. Review status: criteria provided, single submitter. Criteria: Invitae Variant Classification Sherloc (09022015). Collection method: clinical testing. Allele origin: germline.
Comment: This sequence change replaces asparagine, which is neutral and polar, with serine, which is neutral and polar, at codon 1779 of the COL5A1 protein (p.Asn1779Ser). This variant is not present in population databases (gnomAD no frequency). This variant has not been reported in the literature in individuals affected with COL5A1-related conditions. Invitae Evidence Modeling of protein sequence and biophysical properties (such as structural, functional, and spatial information, amino acid conservation, physicochemical variation, residue mobility, and thermodynamic stability) indicates that this missense variant is not expected to disrupt COL5A1 protein function with a negative predictive value of 95%. In summary, the available evidence is currently insufficient to determine the role of this variant in disease. Therefore, it has been classified as a Variant of Uncertain Significance.